The following is an entry in ClinVar:

ClinVar aggregate classification (germline): Pathogenic/Likely pathogenic. Review status: criteria provided, multiple submitters, no conflicts (2 of 4 stars). 6 submissions from 6 submitters: Pathogenic (2); Likely pathogenic (1). 3 of the submissions do not count toward it. Last evaluated 2022-06-13.

Conditions:
Congenital disorder of glycosylation (CDG). Also called: Carbohydrate-deficient glycoprotein syndrome; Congenital disorders of glycosylation. Identifiers: Orphanet 137, MedGen C0282577, MONDO:0015286.
Glucose-6-phosphate transport defect (GSD1B). Also called: Glycogen Storage Disease Type Ib; GSD Ib. Identifiers: Orphanet 364, Orphanet 79259, MedGen C0268146, MONDO:0009288, OMIM 232220.
Congenital disorder of glycosylation, type IIw. Identifiers: MedGen C5561986, MONDO:0030437, OMIM 619525.
Phosphate transport defect (GSD1C). Also called: GLYCOGEN STORAGE DISEASE Ic; GSD Ic. Identifiers: Orphanet 364, Orphanet 79259, MedGen C0342749, OMIM 232240.

Submissions (6):

Department of Human Genetics, Hannover Medical School
Classification: Pathogenic for Congenital disorder of glycosylation, type IIw. Last evaluated: 2022-06-13. Review status: criteria provided, single submitter. Criteria: ACMG Guidelines, 2015. Collection method: clinical testing. Allele origin: germline. Inheritance: Autosomal dominant inheritance. Affected: yes.

SIB Swiss Institute of Bioinformatics
Classification: Pathogenic for Congenital disorder of glycosylation, type IIw. Last evaluated: 2022-04-20. Review status: criteria provided, single submitter. Criteria: ACMG Guidelines, 2015. Collection method: curation. Allele origin: unknown.
Comment: This variant is interpreted as pathogenic for Congenital disorder of glycosylation 2W, autosomal dominant. The following ACMG Tag(s) were applied: Absent from controls (or at extremely low frequency if recessive) in Exome Sequencing Project, 1000 Genomes Project, or Exome Aggregation Consortium (PM2); Prevalence in affected individuals statistically increased over controls (PS4 downgraded to moderate); De novo variant with paternity and maternity confirmed (PS2 upgraded to very strong); Well-established functional studies show a deleterious effect (PS3).

Fulgent Genetics
Classification: Likely pathogenic for Glucose-6-phosphate transport defect; Phosphate transport defect; Congenital disorder of glycosylation, type IIw. Last evaluated: 2021-12-21. Review status: criteria provided, single submitter. Criteria: ACMG Guidelines, 2015. Collection method: clinical testing. Allele origin: unknown.

OMIM
Classification: Pathogenic for CONGENITAL DISORDER OF GLYCOSYLATION, TYPE IIw. Last evaluated: 2025-10-02. Review status: no assertion criteria provided. Collection method: literature only. Allele origin: germline. Not counted in ClinVar's aggregate classification.

Natera, Inc.
Classification: Likely pathogenic for Glycogen storage disease type Ib. Last evaluated: 2025-04-17. Review status: no assertion criteria provided. Collection method: clinical testing. Allele origin: germline. Not counted in ClinVar's aggregate classification.

University of Washington Center for Mendelian Genomics, University of Washington
Classification: Likely pathogenic for congenital disorder of glycosylation. Review status: no assertion criteria provided. Collection method: research. Allele origin: inherited. Affected: yes. Not counted in ClinVar's aggregate classification.

Literature cited by the submitters: PubMed 32884905 (cited by SIB Swiss Institute of Bioinformatics and OMIM); PubMed 33964207 (cited by 3 submitters); PubMed 3728255 (cited by SIB Swiss Institute of Bioinformatics); PubMed 33728255 (cited by OMIM).

NM_001164277.2(SLC37A4):c.1267C>T (p.Arg423Ter)

Gene: SLC37A4 (solute carrier family 37 member 4; minus strand). Cytogenetic location: 11q23.3.
Variant type: single nucleotide variant.
Coding change: c.1267C>T on transcript NM_001164277.2 (MANE Select); coding-DNA position 1267, C replaced by T.
Protein change: p.Arg423Ter; replaces arginine 423 with a stop codon.
Molecular consequence: nonsense.
Genome position (GRCh38, 1-based): chr11:119,024,933, G>A on the plus strand (C>T on the coding strand, the complement: SLC37A4 is on the minus strand). VCF-style: chr11-119024933-G-A. GRCh37 (hg19) VCF-style: chr11-118895643-G-A.
Other names: c.1267C>T, p.Arg423Ter (NM_001467.6, NM_001164280.2); c.1333C>T, p.Arg445Ter (NM_001164278.2); c.1048C>T, p.Arg350Ter (NM_001164279.2); short protein forms R350*, R423*, R445*.
Identifiers: ClinVar variation 1184845 (VCV001184845.14), dbSNP rs2134626266, ClinGen allele CA382893387.
Genomic context (GRCh38, chr11:119,024,933, plus strand): 5'-GCCACCGTGGGATGGTGCTCCGGAACCTGGACTCTCTTCACTCAGCCTTCTTGGACACTC[G>A]GCCCATCTTGGTGCGGATGTTTCGTAGGAGGAAGAAGGCAGCCGTGCTGGCCGCACAAAT-3'